The following is an entry in ClinVar:

ClinVar aggregate classification (germline): Likely pathogenic (1 of 4 stars; one submission).

Conditions:
Neurodevelopmental disorder with cataracts, poor growth, and dysmorphic facies. Identifiers: MedGen C5231414, MONDO:0032817, OMIM 618571.

Submission:

Greenwood Genetic Center Diagnostic Laboratories, Greenwood Genetic Center
Classification: Likely pathogenic for Neurodevelopmental disorder with cataracts, poor growth, and dysmorphic facies. Last evaluated: 2025-11-17. Review status: criteria provided, single submitter. Criteria: ACMG Guidelines, 2015. Collection method: clinical testing. Allele origin: germline. Affected: yes.
Comment: PVS1, PM2

NM_001080453.3(INTS1):c.536dup (p.Val180fs)

Gene: INTS1 (integrator complex subunit 1; minus strand). Cytogenetic location: 7p22.3.
Variant type: Duplication.
Coding change: c.536dup on transcript NM_001080453.3 (MANE Select); coding-DNA position 536, one base duplicated (G; older notation c.536dupG).
Protein change: p.Val180fs; shifts the reading frame from valine 180.
Molecular consequence: frameshift variant.
Genome position (GRCh38, 1-based): chr7:1,500,180, C duplicated on the plus strand (G on the coding strand, the reverse complement: INTS1 is on the minus strand); the first of 3 consecutive C bases (chr7:1,500,180-1,500,182); duplicating any one gives the same sequence. VCF-style (leftmost placement, unchanged base first): chr7-1500179-G-GC. GRCh37 (hg19) VCF-style: chr7-1539815-G-GC.
Other names: short protein forms V180fs.
Identifiers: ClinVar variation 4845466 (VCV004845466.1).